The following is an entry in ClinVar:

ClinVar aggregate classification (germline): Uncertain significance (1 of 4 stars; one submission).

gnomAD v4.1: 19 of 1,549,070 alleles (0.0012%); highest among the groups gnomAD compares: Non-Finnish European, 0.0016%; no homozygotes.

Submission:

GeneDx
Classification: Uncertain significance. Last evaluated: 2026-02-19. Review status: criteria provided, single submitter. Criteria: GeneDx Variant Classification Process June 2021. Collection method: clinical testing. Allele origin: germline.
Comment: In silico analysis suggests that this missense variant does not alter protein structure/function; Has not been previously published as pathogenic or benign to our knowledge

NM_001367479.1(DNAH14):c.12043A>G (p.Lys4015Glu)

Gene: DNAH14 (dynein axonemal heavy chain 14; plus strand). Cytogenetic location: 1q42.12.
Variant type: single nucleotide variant.
Coding change: c.12043A>G on transcript NM_001367479.1 (MANE Select); coding-DNA position 12043, A replaced by G.
Protein change: p.Lys4015Glu; replaces lysine 4015 with glutamic acid.
Molecular consequence: missense variant.
Genome position (GRCh38, 1-based): chr1:225,364,847, A>G. VCF-style: chr1-225364847-A-G. GRCh37 (hg19) VCF-style: chr1-225552549-A-G.
Other names: NM_001373.1:c.11764A>G; short protein forms K4015E.
Identifiers: ClinVar variation 4976297 (VCV004976297.1).
Genomic context (GRCh38, chr1:225,364,847, plus strand): 5'-TGCAGTTTTAATAGTCCAAACGTGACAATAGACCCTGAGTTTCGGCTATGGTTAAGCTCA[A>G]AATCATACAGTTCTTTTCCAATTCCTGTTCTTAAAAAGGGTTTAAAGGTAAGAACAAAGT-3'
Protein context (NP_001354408.1, residues 4005-4025): DPEFRLWLSS[Lys4015Glu]SYSSFPIPVL